The following is an entry in ClinVar:

NM_153704.6(TMEM67):c.1288+46C>T

Gene: TMEM67 (transmembrane protein 67; plus strand). Cytogenetic location: 8q22.1.
Variant type: single nucleotide variant.
Coding change: c.1288+46C>T on transcript NM_153704.6 (MANE Select); 46 bases into the intron after coding-DNA position 1288, C replaced by T.
Molecular consequence: intron variant.
Genome position (GRCh38, 1-based): chr8:93,785,424, C>T. VCF-style: chr8-93785424-C-T. GRCh37 (hg19) VCF-style: chr8-94797652-C-T.
Other names: c.1045+46C>T (NM_001142301.1).
Identifiers: ClinVar variation 126298 (VCV000126298.8), dbSNP rs73694952, ClinGen allele CA150983.

ClinVar aggregate classification (germline): Benign. Review status: criteria provided, multiple submitters, no conflicts (2 of 4 stars). 4 submissions from 4 submitters: Benign (3). 1 of the submissions does not count toward it. Last evaluated 2018-06-16.

Allele frequency attached by ClinVar (database versions not stated): gnomAD exomes 0.01390; ExAC 0.01661; 1000 Genomes Project 0.05891; TOPMed 0.05948; 1000 Genomes Project 30x 0.05996; ESP Exome Variant Server 0.06264.
gnomAD v4.1: 15,741 of 1,566,892 alleles (1%); highest among the groups gnomAD compares: African/African-American, 18%; 1,247 homozygotes.

Submissions (4):

GeneDx
Classification: Benign. Last evaluated: 2018-06-16. Review status: criteria provided, single submitter. Criteria: GeneDx Variant Classification (06012015). Collection method: clinical testing. Allele origin: germline. Affected: yes.
Comment: This variant is considered likely benign or benign based on one or more of the following criteria: it is a conservative change, it occurs at a poorly conserved position in the protein, it is predicted to be benign by multiple in silico algorithms, and/or has population frequency not consistent with disease.

Breakthrough Genomics
Classification: Benign. Review status: criteria provided, single submitter. Criteria: ACMG Guidelines, 2015. Collection method: not provided. Allele origin: germline. Inheritance: Autosomal recessive inheritance. Affected: yes.

PreventionGenetics, part of Exact Sciences
Classification: Benign. Review status: criteria provided, single submitter. Criteria: ACMG Guidelines, 2015. Collection method: clinical testing. Allele origin: germline.

Genetic Services Laboratory, University of Chicago
Classification: Likely benign for AllHighlyPenetrant. Review status: no assertion criteria provided. Collection method: clinical testing. Allele origin: germline. Inheritance: Autosomal recessive inheritance. Observed: 11 variant alleles. Not counted in ClinVar's aggregate classification.
Comment: Likely benign based on allele frequency in 1000 Genomes Project or ESP global frequency and its presence in a patient with a rare or unrelated disease phenotype. NOT Sanger confirmed.